The following continues an entry in ClinVar:

NM_014874.4(MFN2):c.280C>T (p.Arg94Trp)

Gene: MFN2. ClinVar aggregate classification (germline): Pathogenic. Pathogenic (19).

Submissions 10 to 24 of 24:

Genome-Nilou Lab
Classification: Pathogenic for Charcot-Marie-Tooth disease type 2A2. Last evaluated: 2021-12-05. Review status: criteria provided, single submitter. Criteria: ACMG Guidelines, 2015. Collection method: clinical testing. Allele origin: de novo. Inheritance: Autosomal dominant inheritance. Affected: yes.

GeneDx
Classification: Pathogenic. Last evaluated: 2021-11-23. Review status: criteria provided, single submitter. Criteria: GeneDx Variant Classification Process June 2021. Collection method: clinical testing. Allele origin: germline. Affected: yes.
Comment: Published functional studies demonstrate a damaging effect; mouse model expressing R94W showed mild peripheral neuropathy (Strickland et al., 2014); Different missense changes at this residue (R94P, R94Q, R94G) have been reported as pathogenic/likely pathogenic in the published literature and in the Human Gene Mutation Database in association with MFN2-related disorders (Stenson et al., 2014); Not observed at significant frequency in large population cohorts (Lek et al., 2016); In silico analysis supports that this missense variant has a deleterious effect on protein structure/function; This variant is associated with the following publications: (PMID: 16714318, 16835246, 24126688, 15064763, 27549087, 31832804, 31130284, 32376792, 33841295, 24863639, 16437557, 25025039, 24862862)

Laboratório de Neurologia Aplicada e Experimental, Faculdade de Medicina de Ribeirao Preto – Universidade de Sao Paulo
Classification: Pathogenic for Charcot-Marie-Tooth disease type 2A2. Last evaluated: 2021-07-20. Review status: criteria provided, single submitter. Criteria: ACMG guidelines 2015. Collection method: research. Allele origin: germline. Inheritance: Autosomal dominant inheritance. Affected: no. Observed: 1 heterozygote.

Revvity Omics, Revvity
Classification: Pathogenic. Last evaluated: 2019-04-23. Review status: criteria provided, single submitter. Criteria: ACMG Guidelines, 2015. Collection method: clinical testing. Allele origin: germline.

ARUP Laboratories, Molecular Genetics and Genomics, ARUP Laboratories
Classification: Pathogenic. Last evaluated: 2018-01-12. Review status: criteria provided, single submitter. Criteria: ARUP Molecular Germline Variant Investigation Process. Collection method: clinical testing. Allele origin: germline.
Comment: The MFN2 c.280C>T; p.Arg94Trp has been reported multiple times in patients diagnosed with CMT disease (Zuchner 2004, Zuchner 2006, Cho 2007, BroÅ¾kovÃ¡ 2013, LassuthovÃ¡ 2016), and is classified as pathogenic in ClinVar (ID 2276). Functional studies have found defects in mitochondrial function in mice expressing this variant (Strickland 2014). Another variant affecting this amino acid (Arg94Gln) has also been demonstrated to be pathogenic (Zuchner 2005). This variant is absent from the general population databases (1000 Genomes Project, Exome Variant Server, Genome Aggregation Database). Based on the available information, the p.Arg94Trp variant is classified as pathogenic.

Centre for Mendelian Genomics, University Medical Centre Ljubljana
Classification: Pathogenic for Neuropathy, hereditary motor and sensory, type 6A. Last evaluated: 2016-01-01. Review status: criteria provided, single submitter. Criteria: ACMG Guidelines, 2015. Collection method: clinical testing. Allele origin: unknown. Affected: yes.
Comment: This variant was classified as: Pathogenic.

Centre for Mendelian Genomics, University Medical Centre Ljubljana
Classification: Pathogenic for Abnormal blistering of the skin; Abnormal dental enamel morphology; Abnormality of the dentition; Alopecia of scalp; Decreased body weight; Distal muscle weakness; EMG abnormality; Failure to thrive; Hyperpigmentation of the skin; Microcephaly; Nail dystrophy; Scarring; Scarring alopecia of scalp; Short stature. Last evaluated: 2015-05-07. Review status: criteria provided, single submitter. Criteria: ACMG Guidelines, 2015. Collection method: clinical testing. Allele origin: unknown. Affected: yes.

Eurofins Ntd Llc (ga)
Classification: Pathogenic. Last evaluated: 2014-12-31. Review status: criteria provided, single submitter. Criteria: EGL Classification Definitions 2015. Collection method: clinical testing. Allele origin: germline. Observed: 1 variant allele, 1 heterozygote.

Juno Genomics, Hangzhou Juno Genomics, Inc
Classification: Pathogenic for Charcot-Marie-Tooth disease type 2A2. Review status: criteria provided, single submitter. Criteria: ACMG Guidelines, 2015. Collection method: clinical testing. Allele origin: germline. Affected: yes.
Comment: Absent from controls (or at extremely low frequency if recessive) in Genome Aggregation Database, Exome Sequencing Project, 1000 Genomes Project, or Exome Aggregation Consortium.;Well-established in vitro or in vivo functional studies supportive of a damaging effect on the gene or gene product.;Missense variant in a gene that has a low rate of benign missense variation and where missense variants are a common mechanism of disease.;The prevalence of the variant in affected individuals is significantly increased compared to the prevalence in controls.;De novo (both maternity and paternity confirmed) in a patient with the disease and no family history.

Molecular Genetics Laboratory, London Health Sciences Centre
Classification: Pathogenic for Charcot-Marie-Tooth disease. Review status: criteria provided, single submitter. Criteria: ACMG Guidelines, 2015. Collection method: clinical testing. Allele origin: germline. Affected: yes.

OMIM
Classification: Pathogenic for CHARCOT-MARIE-TOOTH DISEASE, AXONAL, TYPE 2A2A. Last evaluated: 2006-08-01. Review status: no assertion criteria provided. Collection method: literature only. Allele origin: germline. Not counted in ClinVar's aggregate classification.

OMIM
Classification: Pathogenic for NEUROPATHY, HEREDITARY MOTOR AND SENSORY, TYPE VIA. Last evaluated: 2006-08-01. Review status: no assertion criteria provided. Collection method: literature only. Allele origin: germline. Not counted in ClinVar's aggregate classification.

Clinical Genetics, Academic Medical Center
Classification: Pathogenic. Review status: no assertion criteria provided. Collection method: clinical testing. Allele origin: germline. Affected: yes. Study: VKGL Data-share Consensus. Not counted in ClinVar's aggregate classification.

Diagnostic Laboratory, Department of Genetics, University Medical Center Groningen
Classification: Pathogenic. Review status: no assertion criteria provided. Collection method: clinical testing. Allele origin: germline. Affected: yes. Study: VKGL Data-share Consensus. Not counted in ClinVar's aggregate classification.

Joint Genome Diagnostic Labs from Nijmegen and Maastricht, Radboudumc and MUMC+
Classification: Pathogenic. Review status: no assertion criteria provided. Collection method: clinical testing. Allele origin: germline. Affected: yes. Study: VKGL Data-share Consensus. Not counted in ClinVar's aggregate classification.

Literature cited by the submitters: PubMed 16835246 (cited by 4 submitters); PubMed 16437557 (cited by 8 submitters); PubMed 19889647 (cited by 5 submitters); PubMed 24126688 (cited by 6 submitters); PubMed 26686600 (cited by 3 submitters); PubMed 27549087 (cited by 3billion and Athena Diagnostics); PubMed 15064763 (cited by 6 submitters); PubMed 24862862 (cited by 6 submitters); PubMed 21285398 (cited by Labcorp Genetics (formerly Invitae), Labcorp); PubMed 22442078 (cited by Labcorp Genetics (formerly Invitae), Labcorp); PubMed 24604904 (cited by Labcorp Genetics (formerly Invitae), Labcorp); PubMed 16714318 (cited by 3 submitters); PubMed 17296794 (cited by Ambry Genetics and Athena Diagnostics); PubMed 21508331 (cited by Ambry Genetics and Laboratório de Neurologia Aplicada e Experimental, Faculdade de Medicina de Ribeirao Preto – Universidade de Sao Paulo); PubMed 24863639 (cited by Ambry Genetics and Athena Diagnostics); PubMed 26085578 (cited by Ambry Genetics and Athena Diagnostics); PubMed 26801520 (cited by Ambry Genetics and Athena Diagnostics); PubMed 31130284 (cited by Ambry Genetics); PubMed 31188717 (cited by Ambry Genetics and Athena Diagnostics); PubMed 31832804 (cited by Ambry Genetics); PubMed 32376792 (cited by Ambry Genetics); PubMed 33475540 (cited by Ambry Genetics); PubMed 33841295 (cited by Ambry Genetics); PubMed 34366782 (cited by Ambry Genetics); PubMed 35938991 (cited by Ambry Genetics); PubMed 25025039 (cited by Athena Diagnostics and Eurofins Ntd Llc (ga)); PubMed 26382835 (cited by Athena Diagnostics); PubMed 27863451 (cited by Athena Diagnostics); PubMed 17215403 (cited by Laboratório de Neurologia Aplicada e Experimental, Faculdade de Medicina de Ribeirao Preto – Universidade de Sao Paulo); PubMed 20418531 (cited by Laboratório de Neurologia Aplicada e Experimental, Faculdade de Medicina de Ribeirao Preto – Universidade de Sao Paulo).